The following is an entry in ClinVar:

NM_153704.6(TMEM67):c.64G>A (p.Val22Met)

Gene: TMEM67 (transmembrane protein 67; plus strand). Cytogenetic location: 8q22.1.
Variant type: single nucleotide variant.
Coding change: c.64G>A on transcript NM_153704.6 (MANE Select); coding-DNA position 64, G replaced by A.
Protein change: p.Val22Met; replaces valine 22 with methionine.
Molecular consequence: missense variant. On other transcripts: non-coding transcript variant (1), intron variant (1).
Genome position (GRCh38, 1-based): chr8:93,754,978, G>A. VCF-style: chr8-93754978-G-A. GRCh37 (hg19) VCF-style: chr8-94767206-G-A.
Other names: c.64G>A (NM_153704.5); c.-179-42G>A (NM_001142301.1); short protein forms V22M.
Identifiers: ClinVar variation 1519279 (VCV001519279.9), dbSNP rs770779757, ClinGen allele CA4807506.

ClinVar aggregate classification (germline): Uncertain significance. Review status: criteria provided, multiple submitters, no conflicts (2 of 4 stars). 3 submissions from 3 submitters: Uncertain significance (2). 1 of the submissions does not count toward it. Last evaluated 2022-08-19.

Conditions:
Meckel-Gruber syndrome. Also called: DYSENCEPHALIA SPLANCHNOCYSTICA; GRUBER SYNDROME; Dysencephalia splachnocystica. Identifiers: Orphanet 564, MedGen C0265215, MONDO:0018921.
Joubert syndrome. Also called: Familial aplasia of the vermis; JOUBERT-BOLTSHAUSER SYNDROME. Identifiers: Orphanet 475, MedGen C5979921, MONDO:0018772.
TMEM67-related disorder. Also called: TMEM67-related disorders; TMEM67-related condition. Identifiers: MedGen CN239423.

Allele frequency attached by ClinVar (database versions not stated): ExAC 0.00001; gnomAD exomes 0.00001 and 0.00002; TOPMed 0.00001.
gnomAD v4.1: 22 of 1,614,222 alleles (0.0014%); highest among the groups gnomAD compares: Admixed American, 0.0033%; no homozygotes.

Submissions (3):

Labcorp Genetics (formerly Invitae), Labcorp
Classification: Uncertain significance for Joubert syndrome; Meckel-Gruber syndrome. Last evaluated: 2022-08-19. Review status: criteria provided, single submitter. Criteria: Invitae Variant Classification Sherloc (09022015). Collection method: clinical testing. Allele origin: germline.
Comment: This sequence change replaces valine, which is neutral and non-polar, with methionine, which is neutral and non-polar, at codon 22 of the TMEM67 protein (p.Val22Met). This variant is present in population databases (rs770779757, gnomAD 0.006%). This variant has not been reported in the literature in individuals affected with TMEM67-related conditions. ClinVar contains an entry for this variant (Variation ID: 1519279). Advanced modeling of protein sequence and biophysical properties (such as structural, functional, and spatial information, amino acid conservation, physicochemical variation, residue mobility, and thermodynamic stability) performed at Invitae indicates that this missense variant is not expected to disrupt TMEM67 protein function. In summary, the available evidence is currently insufficient to determine the role of this variant in disease. Therefore, it has been classified as a Variant of Uncertain Significance.

Revvity Omics, Revvity
Classification: Uncertain significance. Last evaluated: 2022-01-05. Review status: criteria provided, single submitter. Criteria: ACMG Guidelines, 2015. Collection method: clinical testing. Allele origin: germline.

PreventionGenetics, part of Exact Sciences
Classification: Uncertain significance for TMEM67-related condition. Last evaluated: 2024-07-21. Review status: no assertion criteria provided. Collection method: clinical testing. Allele origin: germline. Not counted in ClinVar's aggregate classification.
Comment: The TMEM67 c.64G>A variant is predicted to result in the amino acid substitution p.Val22Met. To our knowledge, this variant has not been reported in the literature. This variant is reported in 0.0058% of alleles in individuals of Latino descent in gnomAD. At this time, the clinical significance of this variant is uncertain due to the absence of conclusive functional and genetic evidence.